The following is an entry in ClinVar:

ClinVar aggregate classification (germline): Uncertain significance. Review status: criteria provided, multiple submitters, no conflicts (2 of 4 stars). 2 submissions from 2 submitters: Uncertain significance (2). Last evaluated 2025-12-31.

Conditions:
Charcot-Marie-Tooth disease type 2. Also called: Charcot-Marie-Tooth type 2. Identifiers: Orphanet 64746, MedGen C0270914, MONDO:0018993.
Cardiovascular phenotype. Identifiers: MedGen CN230736.

gnomAD v4.1: 1 of 1,613,538 alleles (0.000062%); no homozygotes.

Submissions (2):

Ambry Genetics
Classification: Uncertain significance for Cardiovascular phenotype. Last evaluated: 2025-12-31. Review status: criteria provided, single submitter. Criteria: Ambry Variant Classification Scheme 2023. Collection method: clinical testing. Allele origin: germline.
Comment: The p.R296H variant (also known as c.887G>A), located in coding exon 5 of the LMNA gene, results from a G to A substitution at nucleotide position 887. The arginine at codon 296 is replaced by histidine, an amino acid with highly similar properties. This variant was detected in a cardiomyopathy/arrhythmia genetic testing cohort; however, clinical details were limited, and additional cardiac variants were detected in some cases (van Lint FHM et al. Neth Heart J, 2019 Jun;27:304-309). This amino acid position is highly conserved in available vertebrate species. In addition, this alteration is predicted to be deleterious by in silico analysis. Based on the available evidence, the clinical significance of this variant remains unclear.

Labcorp Genetics (formerly Invitae), Labcorp
Classification: Uncertain significance for Charcot-Marie-Tooth disease type 2. Last evaluated: 2025-07-21. Review status: criteria provided, single submitter. Criteria: Invitae Variant Classification Sherloc (09022015). Collection method: clinical testing. Allele origin: germline.
Comment: This sequence change replaces arginine, which is basic and polar, with histidine, which is basic and polar, at codon 296 of the LMNA protein (p.Arg296His). This variant is not present in population databases (gnomAD no frequency). This variant has not been reported in the literature in individuals affected with LMNA-related conditions. Invitae Evidence Modeling of protein sequence and biophysical properties (such as structural, functional, and spatial information, amino acid conservation, physicochemical variation, residue mobility, and thermodynamic stability) indicates that this missense variant is expected to disrupt LMNA protein function with a positive predictive value of 95%. In summary, the available evidence is currently insufficient to determine the role of this variant in disease. Therefore, it has been classified as a Variant of Uncertain Significance.

Literature cited by the submitters: PubMed 30847666 (cited by Ambry Genetics).

NM_170707.4(LMNA):c.887G>A (p.Arg296His)

Gene: LMNA (lamin A/C; plus strand). Cytogenetic location: 1q22.
Variant type: single nucleotide variant.
Coding change: c.887G>A on transcript NM_170707.4 (MANE Select); coding-DNA position 887, G replaced by A.
Protein change: p.Arg296His; replaces arginine 296 with histidine.
Molecular consequence: missense variant.
Genome position (GRCh38, 1-based): chr1:156,135,263, G>A. VCF-style: chr1-156135263-G-A. GRCh37 (hg19) VCF-style: chr1-156105054-G-A.
Other names: c.887G>A, p.Arg296His (NM_005572.4, NM_170708.4, NM_001282625.2 and 6 more transcripts); c.329G>A, p.Arg110His (NM_001406995.1, NM_001406996.1, NM_001406997.1 and 4 more transcripts); c.551G>A, p.Arg184His (NM_001406998.1, NM_001257374.3, NM_001406989.1); c.223G>A, p.Ala75Thr (NM_001406999.1, NM_001407000.1, NM_001407001.1 and 1 more transcripts); c.644G>A, p.Arg215His (NM_001282624.2, NM_001406986.1, NM_001406987.1); c.590G>A, p.Arg197His (NM_001406988.1); short protein forms A75T, R110H, R197H, R184H, R296H, R215H.
Identifiers: ClinVar variation 4738880 (VCV004738880.2).